The following is an entry in ClinVar:

ClinVar aggregate classification (germline): Uncertain significance. Review status: criteria provided, multiple submitters, no conflicts (2 of 4 stars). 5 submissions from 5 submitters: Uncertain significance (5). Last evaluated 2026-06-29.

Conditions:
ACTN2-related disorder. Also called: ACTN2-related disorders; ACTN2 related condition.
Cardiovascular phenotype. Identifiers: MedGen CN230736.
Primary familial hypertrophic cardiomyopathy (HCM). Identifiers: Orphanet 99739, MedGen C0949658, MeSH D024741, MONDO:0024573. Inheritance: Various modes of inheritance.
Dilated cardiomyopathy 1AA (CMD1AA). Also called: CARDIOMYOPATHY, DILATED, 1AA, WITH OR WITHOUT LEFT VENTRICULAR NONCOMPACTION; CARDIOMYOPATHY, FAMILIAL HYPERTROPHIC, 23, WITH OR WITHOUT LEFT VENTRICULAR NONCOMPACTION; Cardiomyopathy, dilated, 1AA, with or without LVNC. Identifiers: Orphanet 154, MedGen C2677338, MONDO:0012808, OMIM 612158.

Allele frequency attached by ClinVar (database versions not stated): gnomAD exomes below 0.00001.
gnomAD v4.1: 11 of 1,614,126 alleles (0.00068%); highest among the groups gnomAD compares: Non-Finnish European, 0.00085%; no homozygotes.

Submissions (5):

PreventionGenetics, part of Exact Sciences
Classification: Uncertain significance for ACTN2-related condition. Last evaluated: 2026-06-29. Review status: criteria provided, single submitter. Criteria: ACMG Guidelines, 2015. Collection method: clinical testing. Allele origin: germline.
Comment: The ACTN2 c.1255+1G>C variant is predicted to disrupt the GT donor site and interfere with normal splicing. To our knowledge, this variant has not been reported in the literature. This variant is reported in 0.00088% of alleles in individuals of European (Non-Finnish) descent in gnomAD. At this time, the clinical significance of this variant is uncertain due to the absence of conclusive functional and genetic evidence.

GeneDx
Classification: Uncertain significance. Last evaluated: 2025-06-10. Review status: criteria provided, single submitter. Criteria: GeneDx Variant Classification Process June 2021. Collection method: clinical testing. Allele origin: germline. Affected: yes.
Comment: Canonical splice site variant in a gene or region of a gene for which loss of function is not a well-established mechanism of disease; Not observed at significant frequency in large population cohorts (gnomAD); Has not been previously published as pathogenic or benign to our knowledge

Labcorp Genetics (formerly Invitae), Labcorp
Classification: Uncertain significance for Primary familial hypertrophic cardiomyopathy; Dilated cardiomyopathy 1AA. Last evaluated: 2023-12-11. Review status: criteria provided, single submitter. Criteria: Invitae Variant Classification Sherloc (09022015). Collection method: clinical testing. Allele origin: germline.
Comment: This sequence change affects a donor splice site in intron 11 of the ACTN2 gene. It is expected to disrupt RNA splicing. Variants that disrupt the donor or acceptor splice site typically lead to a loss of protein function (PMID: 16199547), however the current clinical and genetic evidence is not sufficient to establish whether loss-of-function variants in ACTN2 cause disease. This variant is present in population databases (no rsID available, gnomAD 0.0009%). This variant has not been reported in the literature in individuals affected with ACTN2-related conditions. ClinVar contains an entry for this variant (Variation ID: 943940). Algorithms developed to predict the effect of sequence changes on RNA splicing suggest that this variant may disrupt the consensus splice site. In summary, the available evidence is currently insufficient to determine the role of this variant in disease. Therefore, it has been classified as a Variant of Uncertain Significance.

Blueprint Genetics
Classification: Uncertain significance. Last evaluated: 2023-09-28. Review status: criteria provided, single submitter. Criteria: ACMG Guidelines, 2015. Collection method: clinical testing. Allele origin: germline.

Ambry Genetics
Classification: Uncertain significance for Cardiovascular phenotype. Last evaluated: 2022-08-11. Review status: criteria provided, single submitter. Criteria: Ambry Variant Classification Scheme 2023. Collection method: clinical testing. Allele origin: germline.
Comment: The c.1255+1G>C intronic variant results from a G to C substitution one nucleotide after coding exon 11 of the ACTN2 gene. This nucleotide position is highly conserved in available vertebrate species. In silico splice site analysis predicts that this alteration will weaken the native splice donor site. Alterations that disrupt the canonical splice site are expected to cause aberrant splicing, resulting in an abnormal protein or a transcript that is subject to nonsense-mediated mRNA decay. However, loss of function of ACTN2 has not been established as a mechanism of disease. Since supporting evidence is limited at this time, the clinical significance of this alteration remains unclear.

Literature cited by the submitters: PubMed 16199547 (cited by Labcorp Genetics (formerly Invitae), Labcorp).

NM_001103.4(ACTN2):c.1255+1G>C

Gene: ACTN2 (actinin alpha 2; plus strand). Cytogenetic location: 1q43.
Variant type: single nucleotide variant.
Coding change: c.1255+1G>C on transcript NM_001103.4 (MANE Select); the canonical splice donor site of the intron after coding-DNA position 1255, G replaced by C.
Molecular consequence: splice donor variant.
Genome position (GRCh38, 1-based): chr1:236,743,044, G>C. VCF-style: chr1-236743044-G-C. GRCh37 (hg19) VCF-style: chr1-236906344-G-C.
Other names: c.1255+1G>C (NM_001278343.2).
Identifiers: ClinVar variation 943940 (VCV000943940.11), dbSNP rs1367331045, ClinGen allele CA345382576.